The following is an entry in ClinVar:

ClinVar aggregate classification (germline): Uncertain significance. Review status: criteria provided, multiple submitters, no conflicts (2 of 4 stars). 3 submissions from 3 submitters: Uncertain significance (3). Last evaluated 2024-02-16.

Conditions:
Hereditary cancer-predisposing syndrome. Also called: Hereditary neoplastic syndrome; Tumor predisposition; Neoplastic Syndromes, Hereditary; Hereditary Cancer Syndrome. Identifiers: Orphanet 140162, MedGen C0027672, MeSH D009386, MONDO:0015356.

Allele frequency attached by ClinVar (database versions not stated): TOPMed below 0.00001.
gnomAD v4.1: 25 of 1,614,216 alleles (0.0015%); highest among the groups gnomAD compares: Non-Finnish European, 0.0019%; no homozygotes.

Submissions (3):

Ambry Genetics
Classification: Uncertain significance for Hereditary cancer-predisposing syndrome. Last evaluated: 2024-02-16. Review status: criteria provided, single submitter. Criteria: Ambry Variant Classification Scheme 2023. Collection method: clinical testing. Allele origin: germline.
Comment: The p.C176Y variant (also known as c.527G>A), located in coding exon 3 of the XRCC2 gene, results from a G to A substitution at nucleotide position 527. The cysteine at codon 176 is replaced by tyrosine, an amino acid with highly dissimilar properties. This alteration has been reported in at least one breast cancer patient in a study of 13087 breast cancer cases and 5488 control individuals in the UK (Decker B et al. J Med Genet, 2017 11;54:732-741). This amino acid position is highly conserved in available vertebrate species. In addition, this alteration is predicted to be deleterious by in silico analysis. Since supporting evidence is limited at this time, the clinical significance of this alteration remains unclear.

Labcorp Genetics (formerly Invitae), Labcorp
Classification: Uncertain significance. Last evaluated: 2022-06-01. Review status: criteria provided, single submitter. Criteria: Invitae Variant Classification Sherloc (09022015). Collection method: clinical testing. Allele origin: germline.
Comment: ClinVar contains an entry for this variant (Variation ID: 420758). This sequence change replaces cysteine, which is neutral and slightly polar, with tyrosine, which is neutral and polar, at codon 176 of the XRCC2 protein (p.Cys176Tyr). This variant is present in population databases (rs753169131, gnomAD 0.002%). This variant has not been reported in the literature in individuals affected with XRCC2-related conditions. Algorithms developed to predict the effect of missense changes on protein structure and function (SIFT, PolyPhen-2, Align-GVGD) all suggest that this variant is likely to be disruptive. In summary, the available evidence is currently insufficient to determine the role of this variant in disease. Therefore, it has been classified as a Variant of Uncertain Significance.

GeneDx
Classification: Uncertain significance. Last evaluated: 2016-12-22. Review status: criteria provided, single submitter. Criteria: GeneDx Variant Classification (06012015). Collection method: clinical testing. Allele origin: germline. Affected: yes.
Comment: This variant is denoted XRCC2 c.527G>A at the cDNA level, p.Cys176Tyr (C176Y) at the protein level, and results in the change of a Cysteine to a Tyrosine (TGT>TAT). This variant has not, to our knowledge, been published in the literature as pathogenic or benign. XRCC2 Cys176Tyr was not observed in approximately 6,500 individuals of European and African American ancestry in the NHLBI Exome Sequencing Project, suggesting it is not a common benign variant in these populations. Since Cysteine and Tyrosine differ in polarity, charge, size or other properties, this is considered a non-conservative amino acid substitution. XRCC2 Cys176Tyr occurs at a position that is conserved across species and is not located in a known functional domain (O'Regan 2001, Miller 2004). In silico analyses predict that this variant is probably damaging to protein structure and function. Based on currently available evidence, it is unclear whether XRCC2 Cys176Tyr is a pathogenic or benign variant. We consider it to be a variant of uncertain significance.

Literature cited by the submitters: PubMed 28779002 (cited by Ambry Genetics).

NM_005431.2(XRCC2):c.527G>A (p.Cys176Tyr)

Gene: XRCC2 (X-ray repair cross complementing 2; minus strand). Cytogenetic location: 7q36.1.
Variant type: single nucleotide variant.
Coding change: c.527G>A on transcript NM_005431.2 (MANE Select); coding-DNA position 527, G replaced by A.
Protein change: p.Cys176Tyr; replaces cysteine 176 with tyrosine.
Molecular consequence: missense variant.
Genome position (GRCh38, 1-based): chr7:152,648,958, C>T on the plus strand (G>A on the coding strand, the complement: XRCC2 is on the minus strand). VCF-style: chr7-152648958-C-T. GRCh37 (hg19) VCF-style: chr7-152346043-C-T.
Other names: short protein forms C176Y.
Identifiers: ClinVar variation 420758 (VCV000420758.11), dbSNP rs753169131, ClinGen allele CA4582334.